The following is an entry in ClinVar:

ClinVar aggregate classification (germline): Pathogenic (1 of 4 stars; one submission).

Conditions:
CEP290-related ciliopathy. Also called: CEP290 ciliopathy. Identifiers: MedGen CN305601, MONDO:0100451.

Submission:

Myriad Genetics, Inc.
Classification: Pathogenic for CEP290-related ciliopathy. Last evaluated: 2026-07-12. Review status: criteria provided, single submitter. Criteria: Myriad Autosomal Dominant, Autosomal Recessive and X-Linked Classification Criteria (2023). Collection method: clinical testing. Allele origin: unknown.
Comment: NM_025114.3(CEP290):c.4449_4450delGA(K1484Rfs*20) is expected to be pathogenic in the context of CEP290-related disorders. This variant is predicted to lead to an abnormal or absent protein product due to the creation of a premature termination codon in CEP290, a gene where loss-of-function variants are known to be pathogenic. Please note: this variant was assessed in the context of healthy population screening.

NM_025114.4(CEP290):c.4449_4450del (p.Lys1484fs)

Gene: CEP290 (centrosomal protein 290; minus strand). Cytogenetic location: 12q21.32.
Variant type: Microsatellite.
Coding change: c.4449_4450del on transcript NM_025114.4 (MANE Select); coding-DNA positions 4449 to 4450, 2 bases deleted (GA; older notation c.4449_4450delGA).
Protein change: p.Lys1484fs; shifts the reading frame from lysine 1484.
Molecular consequence: frameshift variant.
Genome position (GRCh38, 1-based): chr12:88,084,840-88,084,841, TC deleted on the plus strand (GA on the coding strand, the reverse complement: CEP290 is on the minus strand); deleting any 2 consecutive bases within chr12:88,084,840-88,084,844 gives the same sequence; the c. name uses the placement nearest the transcript's 3' end. VCF-style (leftmost placement, unchanged base first): chr12-88084839-TTC-T. GRCh37 (hg19) VCF-style: chr12-88478616-TTC-T.
Other names: short protein forms K1484fs.
Identifiers: ClinVar variation 5016124 (VCV005016124.1).